The following is an entry in ClinVar:

ClinVar aggregate classification (germline): Uncertain significance (1 of 4 stars; one submission).

Conditions:
Luscan-Lumish syndrome. Identifiers: Orphanet 597738, MedGen C4085873, MONDO:0014791, OMIM 616831.

gnomAD v4.1: 5 of 1,610,580 alleles (0.00031%); highest among the groups gnomAD compares: Admixed American, 0.0083%; no homozygotes.

Submission:

Labcorp Genetics (formerly Invitae), Labcorp
Classification: Uncertain significance for Luscan-Lumish syndrome. Last evaluated: 2025-03-10. Review status: criteria provided, single submitter. Criteria: Invitae Variant Classification Sherloc (09022015). Collection method: clinical testing. Allele origin: germline.
Comment: This sequence change falls in intron 17 of the SETD2 gene. It does not directly change the encoded amino acid sequence of the SETD2 protein. It affects a nucleotide within the consensus splice site. This variant is present in population databases (no rsID available, gnomAD 0.009%). This variant has not been reported in the literature in individuals affected with SETD2-related conditions. Variants that disrupt the consensus splice site are a relatively common cause of aberrant splicing (PMID: 17576681, 9536098). Algorithms developed to predict the effect of sequence changes on RNA splicing suggest that this variant is not likely to affect RNA splicing. In summary, the available evidence is currently insufficient to determine the role of this variant in disease. Therefore, it has been classified as a Variant of Uncertain Significance.

Literature cited by the submitters: PubMed 17576681; PubMed 9536098.

NM_014159.7(SETD2):c.7239-3T>C

Gene: SETD2 (SET domain containing 2, histone lysine methyltransferase; minus strand). Cytogenetic location: 3p21.31.
Variant type: single nucleotide variant.
Coding change: c.7239-3T>C on transcript NM_014159.7 (MANE Select); 3 bases into the intron before coding-DNA position 7239, T replaced by C.
Molecular consequence: intron variant.
Genome position (GRCh38, 1-based): chr3:47,037,780, A>G on the plus strand (T>C on the coding strand, the complement: SETD2 is on the minus strand). VCF-style: chr3-47037780-A-G. GRCh37 (hg19) VCF-style: chr3-47079270-A-G.
Other names: c.7107-3T>C (NM_001349370.3).
Identifiers: ClinVar variation 4705104 (VCV004705104.1).